The following is an entry in ClinVar:

ClinVar aggregate classification (germline): Uncertain significance (1 of 4 stars; one submission).

gnomAD v4.1: 1 of 1,613,914 alleles (0.000062%); highest among the groups gnomAD compares: Non-Finnish European, 0.000085%; no homozygotes.

Submission:

Dasa
Classification: Uncertain significance. Last evaluated: 2026-03-27. Review status: criteria provided, single submitter. Criteria: DASA Assertion Criteria. Collection method: clinical testing. Allele origin: germline.
Comment: NM_001142640.2(TNRC6C):c.5312T>C (p.Ile1771Thr) is a missense variant that results in the substitution of isoleucine with threonine. This variant is rare in population databases. Computational prediction algorithms are consistent with a deleterious effect. The currently available literature and clinical evidence are not sufficient to establish a definitive association between this variant and the reported condition. Therefore, this variant is classified as a variant of uncertain significance.

NM_001142640.2(TNRC6C):c.5312T>C (p.Ile1771Thr)

Gene: TNRC6C (trinucleotide repeat containing adaptor 6C; plus strand). Cytogenetic location: 17q25.3.
Variant type: single nucleotide variant.
Coding change: c.5312T>C on transcript NM_001142640.2 (MANE Select); coding-DNA position 5312, T replaced by C.
Protein change: p.Ile1771Thr; replaces isoleucine 1771 with threonine.
Molecular consequence: missense variant.
Genome position (GRCh38, 1-based): chr17:78,103,415, T>C. VCF-style: chr17-78103415-T-C. GRCh37 (hg19) VCF-style: chr17-76099496-T-C.
Other names: c.4682T>C, p.Ile1561Thr (NM_001395508.1); c.5219T>C, p.Ile1740Thr (NM_001395509.1); c.5195T>C, p.Ile1732Thr (NM_001395510.1); c.4706T>C, p.Ile1569Thr (NM_001395511.1); c.4565T>C, p.Ile1522Thr (NM_001395512.1); c.4574T>C, p.Ile1525Thr (NM_018996.3); short protein forms I1522T, I1525T, I1561T, I1569T, I1732T, I1740T, I1771T.
Identifiers: ClinVar variation 4883410 (VCV004883410.2).